The following is an entry in ClinVar:

ClinVar aggregate classification (germline): Likely benign. Review status: criteria provided, single submitter (1 of 4 stars). 2 submissions from 2 submitters: Likely benign (1). 1 of the submissions does not count toward it. Last evaluated 2025-08-01.

Conditions:
TNS1-related disorder. Also called: TNS1-related condition.

Allele frequency attached by ClinVar (database versions not stated): ESP Exome Variant Server 0.00392; 1000 Genomes Project 0.00439; 1000 Genomes Project 30x 0.00484.
gnomAD v4.1: 7,663 of 1,613,888 alleles (0.47%); highest among the groups gnomAD compares: Admixed American, 0.78%; 21 homozygotes.

Submissions (2):

CeGaT Center for Human Genetics Tuebingen
Classification: Likely benign. Last evaluated: 2025-08-01. Review status: criteria provided, single submitter. Criteria: CeGaT Center For Human Genetics Tuebingen Variant Classification Criteria Version 2. Collection method: clinical testing. Allele origin: germline. Affected: yes. Observed: 1 variant allele.
Comment: TNS1: BS2

PreventionGenetics, part of Exact Sciences
Classification: Likely benign for TNS1-related condition. Last evaluated: 2019-02-21. Review status: no assertion criteria provided. Collection method: clinical testing. Allele origin: germline. Not counted in ClinVar's aggregate classification.
Comment: This variant is classified as likely benign based on ACMG/AMP sequence variant interpretation guidelines (Richards et al. 2015 PMID: 25741868, with internal and published modifications).

NM_001387777.1(TNS1):c.1333G>C (p.Gly445Arg)

Gene: TNS1 (tensin 1; minus strand). Cytogenetic location: 2q35.
Variant type: single nucleotide variant.
Coding change: c.1333G>C on transcript NM_001387777.1 (MANE Select); coding-DNA position 1333, G replaced by C.
Protein change: p.Gly445Arg; replaces glycine 445 with arginine.
Molecular consequence: missense variant.
Genome position (GRCh38, 1-based): chr2:217,880,994, C>G on the plus strand (G>C on the coding strand, the complement: TNS1 is on the minus strand). VCF-style: chr2-217880994-C-G. GRCh37 (hg19) VCF-style: chr2-218745717-C-G.
Other names: c.958G>C, p.Gly320Arg (NM_001308022.2, NM_001308023.2, NM_022648.7); short protein forms G320R, G445R.
Identifiers: ClinVar variation 3042140 (VCV003042140.10), dbSNP rs138239490, ClinGen allele CA2100549.